The following is an entry in ClinVar:

NM_025179.4(PLXNA2):c.4470C>A (p.Leu1490=)

Gene: PLXNA2 (plexin A2; minus strand). Cytogenetic location: 1q32.2.
Variant type: single nucleotide variant.
Coding change: c.4470C>A on transcript NM_025179.4 (MANE Select); coding-DNA position 4470, C replaced by A.
Protein change: p.Leu1490=; no amino-acid change (leucine 1490 retained).
Molecular consequence: synonymous variant.
Genome position (GRCh38, 1-based): chr1:208,039,651, G>T on the plus strand (C>A on the coding strand, the complement: PLXNA2 is on the minus strand). VCF-style: chr1-208039651-G-T. GRCh37 (hg19) VCF-style: chr1-208212996-G-T.
Identifiers: ClinVar variation 3354651 (VCV003354651.1).

ClinVar aggregate classification (germline): Likely benign (0 of 4 stars; one submission).

Conditions:
PLXNA2-related disorder. Also called: PLXNA2-related condition.

Submission:

PreventionGenetics, part of Exact Sciences
Classification: Likely benign for PLXNA2-related condition. Last evaluated: 2021-09-24. Review status: no assertion criteria provided. Collection method: clinical testing. Allele origin: germline.
Comment: This variant is classified as likely benign based on ACMG/AMP sequence variant interpretation guidelines (Richards et al. 2015 PMID: 25741868, with internal and published modifications).